The following is an entry in ClinVar:

NM_013275.6(ANKRD11):c.2661G>C (p.Glu887Asp)

Gene: ANKRD11 (ankyrin repeat domain 11; minus strand). Cytogenetic location: 16q24.3.
Variant type: single nucleotide variant.
Coding change: c.2661G>C on transcript NM_013275.6 (MANE Select); coding-DNA position 2661, G replaced by C.
Protein change: p.Glu887Asp; replaces glutamic acid 887 with aspartic acid.
Molecular consequence: missense variant.
Genome position (GRCh38, 1-based): chr16:89,283,881, C>G on the plus strand (G>C on the coding strand, the complement: ANKRD11 is on the minus strand). VCF-style: chr16-89283881-C-G. GRCh37 (hg19) VCF-style: chr16-89350289-C-G.
Other names: c.2661G>C, p.Glu887Asp (NM_001256182.2, NM_001256183.2); short protein forms E887D.
Identifiers: ClinVar variation 2920235 (VCV002920235.3), dbSNP rs771226129, ClinGen allele CA8242542.

ClinVar aggregate classification (germline): Uncertain significance (1 of 4 stars; one submission).

Conditions:
KBG syndrome (KBGS). Also called: ANKRD11-Related KBG Syndrome. Identifiers: Orphanet 2332, MedGen C0220687, MONDO:0007846, OMIM 148050.

Allele frequency attached by ClinVar (database versions not stated): ExAC 0.00001; gnomAD 0.00001; gnomAD exomes 0.00001; TOPMed 0.00002.
gnomAD v4.1: 5 of 1,614,092 alleles (0.00031%); highest among the groups gnomAD compares: African/African-American, 0.0053%; no homozygotes.

Submission:

Labcorp Genetics (formerly Invitae), Labcorp
Classification: Uncertain significance for KBG syndrome. Last evaluated: 2024-09-27. Review status: criteria provided, single submitter. Criteria: Invitae Variant Classification Sherloc (09022015). Collection method: clinical testing. Allele origin: germline.
Comment: This sequence change replaces glutamic acid, which is acidic and polar, with aspartic acid, which is acidic and polar, at codon 887 of the ANKRD11 protein (p.Glu887Asp). This variant is present in population databases (rs771226129, gnomAD 0.01%). This variant has not been reported in the literature in individuals affected with ANKRD11-related conditions. Invitae Evidence Modeling of protein sequence and biophysical properties (such as structural, functional, and spatial information, amino acid conservation, physicochemical variation, residue mobility, and thermodynamic stability) indicates that this missense variant is not expected to disrupt ANKRD11 protein function with a negative predictive value of 95%. In summary, the available evidence is currently insufficient to determine the role of this variant in disease. Therefore, it has been classified as a Variant of Uncertain Significance.